The following is an entry in ClinVar:

NM_000203.5(IDUA):c.666C>T (p.Gly222=)

Gene: IDUA (alpha-L-iduronidase; plus strand). Cytogenetic location: 4p16.3.
Variant type: single nucleotide variant.
Coding change: c.666C>T on transcript NM_000203.5 (MANE Select); coding-DNA position 666, C replaced by T.
Protein change: p.Gly222=; no amino-acid change (glycine 222 retained).
Molecular consequence: synonymous variant. On other transcripts: non-coding transcript variant (1).
Genome position (GRCh38, 1-based): chr4:1,001,755, C>T. VCF-style: chr4-1001755-C-T. GRCh37 (hg19) VCF-style: chr4-995543-C-T.
Other names: NM_000203.5(IDUA):c.666C>T; p.Gly222=; c.270C>T, p.Gly90= (NM_001363576.1); c.666C>T (NM_000203.3).
Identifiers: ClinVar variation 721826 (VCV000721826.13), dbSNP rs200411359, ClinGen allele CA2802049.

ClinVar aggregate classification (germline): Likely benign. Review status: reviewed by expert panel (3 of 4 stars). 3 submissions from 3 submitters: Likely benign (1). 2 of the submissions do not count toward it. Last evaluated 2024-12-06.

Conditions:
Mucopolysaccharidosis type 1. Also called: IDUA deficiency; MPS I; Mucopolysaccharidosis Type I. Identifiers: Orphanet 579, MedGen C0023786, MONDO:0001586.
Inborn genetic diseases. Identifiers: MedGen C0950123, MeSH D030342.

Allele frequency attached by ClinVar (database versions not stated): gnomAD exomes 0.00007; ExAC 0.00013; TOPMed 0.00025; gnomAD 0.00029; ESP Exome Variant Server 0.00047; 1000 Genomes Project 0.00060; 1000 Genomes Project 30x 0.00062.
gnomAD v4.1: 81 of 1,597,544 alleles (0.0051%); highest among the groups gnomAD compares: African/African-American, 0.095%; no homozygotes.

Submissions (3):

ClinGen Lysosomal Storage Disorder Variant Curation Expert Panel
Classification: Likely benign for Mucopolysaccharidosis type 1. Last evaluated: 2024-12-06. Review status: reviewed by expert panel. Criteria: ClinGen LSD ACMG Specifications IDUA V1.0.0. Collection method: curation. Allele origin: germline. Inheritance: Autosomal recessive inheritance.
Comment: The NM_000203.5(IDUA):c.666C>T (p.Gly222=) variant is a synonymous (silent) variant that is not predicted by SpliceAI to impact splicing (all scores are <0.1). In addition, the variant is not in the first nucleotide or last three nucleotides of an exon (BP4, BP7). The highest population minor allele frequency in gnomAD v4.1.0 is 0.0009485 (71/74858; 0 homozygotes) in the African/African American population. This is higher than the ClinGen Lysosomal Diseases VCEP’s threshold for PM2_Supporting (<0.00025), and lower than the threshold for BS1 (>0.0025). Therefore, none of the population data codes are met. There is a ClinVar entry for this variant (Variation ID: 721826). To our knowledge, this variant has not been reported in the literature. In summary, this variant meets the criteria to be classified as likely benign for mucopolysaccharidosis type 1. IDUA-specific ACMG/AMP criteria met, as specified by the ClinGen Lysosomal Diseases Variant Curation Expert Panel (Specifications Version 1.0.0): BP4, BP7. (Classification approved by the ClinGen Lysosomal Diseases Variant Curation Expert Panel on December 6, 2024)

Ambry Genetics
Classification: Likely benign for Inborn genetic diseases. Last evaluated: 2026-02-19. Review status: criteria provided, single submitter. Criteria: Ambry Variant Classification Scheme 2023. Collection method: clinical testing. Allele origin: germline. Not counted in ClinVar's aggregate classification.

Labcorp Genetics (formerly Invitae), Labcorp
Classification: Likely benign for Mucopolysaccharidosis type 1. Last evaluated: 2026-01-19. Review status: criteria provided, single submitter. Criteria: Invitae Variant Classification Sherloc (09022015). Collection method: clinical testing. Allele origin: germline. Not counted in ClinVar's aggregate classification.